The following is an entry in ClinVar:

NM_006421.5(ARFGEF1):c.4018A>G (p.Ser1340Gly)

Gene: ARFGEF1 (ARF guanine nucleotide exchange factor 1; minus strand). Cytogenetic location: 8q13.2.
Variant type: single nucleotide variant.
Coding change: c.4018A>G on transcript NM_006421.5 (MANE Select); coding-DNA position 4018, A replaced by G.
Protein change: p.Ser1340Gly; replaces serine 1340 with glycine.
Molecular consequence: missense variant. On other transcripts: non-coding transcript variant (1).
Genome position (GRCh38, 1-based): chr8:67,226,082, T>C on the plus strand (A>G on the coding strand, the complement: ARFGEF1 is on the minus strand). VCF-style: chr8-67226082-T-C. GRCh37 (hg19) VCF-style: chr8-68138317-T-C.
Other names: c.4018A>G, p.Ser1340Gly (NM_001413184.1, NM_001413185.1, NM_001413186.1 and 6 more transcripts); c.3418A>G, p.Ser1140Gly (NM_001413188.1, NM_001413193.1, NM_001413197.1); c.4012A>G, p.Ser1338Gly (NM_001413190.1); c.2593A>G, p.Ser865Gly (NM_001413196.1); short protein forms S1140G, S1338G, S1340G, S865G.
Identifiers: ClinVar variation 4278526 (VCV004278526.1).
Genomic context (GRCh38, chr8:67,226,082, plus strand): 5'-CCTGAGGTCTATCAGACACATATTTTGCACAATGGCGAATAAGTCGAATTGCTTCCATAC[T>C]TGTGTCTGGGAAAGCTGCATTGCACGCAAATTCAGACAAACACTTCACTGCATCCTGGAA-3'
Protein context (NP_006412.2, residues 1330-1350): FACNAAFPDT[Ser1340Gly]MEAIRLIRHC

ClinVar aggregate classification (germline): Uncertain significance (1 of 4 stars; one submission).

Submission:

GeneDx
Classification: Uncertain significance. Last evaluated: 2025-04-04. Review status: criteria provided, single submitter. Criteria: GeneDx Variant Classification Process June 2021. Collection method: clinical testing. Allele origin: germline. Affected: yes.
Comment: Not observed at significant frequency in large population cohorts (gnomAD); In silico analysis supports that this missense variant has a deleterious effect on protein structure/function; In silico analysis supports a deleterious effect on splicing; Has not been previously published as pathogenic or benign to our knowledge